The following is an entry in ClinVar:

ClinVar aggregate classification (germline): Likely benign. Review status: criteria provided, single submitter (1 of 4 stars). 2 submissions from 2 submitters: Likely benign (1). 1 of the submissions does not count toward it. Last evaluated 2023-12-05.

Conditions:
PCNT-related disorder. Also called: PCNT-related condition.

Submissions (2):

Labcorp Genetics (formerly Invitae), Labcorp
Classification: Likely benign. Last evaluated: 2023-12-05. Review status: criteria provided, single submitter. Criteria: Invitae Variant Classification Sherloc (09022015). Collection method: clinical testing. Allele origin: germline.

PreventionGenetics, part of Exact Sciences
Classification: Likely benign for PCNT-related condition. Last evaluated: 2022-03-10. Review status: no assertion criteria provided. Collection method: clinical testing. Allele origin: germline. Not counted in ClinVar's aggregate classification.
Comment: This variant is classified as likely benign based on ACMG/AMP sequence variant interpretation guidelines (Richards et al. 2015 PMID: 25741868, with internal and published modifications).

NM_006031.6(PCNT):c.3603G>T (p.Ser1201=)

Gene: PCNT (pericentrin; plus strand). Cytogenetic location: 21q22.3.
Variant type: single nucleotide variant.
Coding change: c.3603G>T on transcript NM_006031.6 (MANE Select); coding-DNA position 3603, G replaced by T.
Protein change: p.Ser1201=; no amino-acid change (serine 1201 retained).
Molecular consequence: synonymous variant.
Genome position (GRCh38, 1-based): chr21:46,388,880, G>T. VCF-style: chr21-46388880-G-T. GRCh37 (hg19) VCF-style: chr21-47808795-G-T.
Other names: c.3603G>T (NM_006031.5); c.3249G>T, p.Ser1083= (NM_001315529.2).
Identifiers: ClinVar variation 2701005 (VCV002701005.4), dbSNP rs1352485956, ClinGen allele CA512738069.
Genomic context (GRCh38, chr21:46,388,880, plus strand): 5'-CCGGATCGGGGAGCGCGTGGGGCTCTGCCTGGATGACGCGGGCGCAGGCCTGGCCCTGTC[G>T]ACAGGTGAGTGTGCCGGGACCAGCTGCCCAGCCCTGTGCTTGCAGCCCCTCTGTGGTCCT-3'
Protein context (NP_006022.3, residues 1191-1211): LDDAGAGLAL[Ser1201=]TAPALEETWS